The following is an entry in ClinVar:

NM_005333.5(HCCS):c.49G>T (p.Ala17Ser)

Gene: HCCS (holocytochrome c synthase; plus strand). Cytogenetic location: Xp22.2.
Variant type: single nucleotide variant.
Coding change: c.49G>T on transcript NM_005333.5 (MANE Select); coding-DNA position 49, G replaced by T.
Protein change: p.Ala17Ser; replaces alanine 17 with serine.
Molecular consequence: missense variant.
Genome position (GRCh38, 1-based): chrX:11,112,109, G>T. VCF-style: chrX-11112109-G-T. GRCh37 (hg19) VCF-style: chrX-11130229-G-T.
Other names: c.49G>T, p.Ala17Ser (NM_001122608.3, NM_001171991.3); short protein forms A17S.
Identifiers: ClinVar variation 4269127 (VCV004269127.8).

ClinVar aggregate classification (germline): Likely benign. Review status: criteria provided, multiple submitters, no conflicts (2 of 4 stars). 2 submissions from 2 submitters: Likely benign (2). Last evaluated 2026-04-01.

Conditions:
Inborn genetic diseases. Identifiers: MedGen C0950123, MeSH D030342.

Submissions (2):

CeGaT Center for Human Genetics Tuebingen
Classification: Likely benign. Last evaluated: 2026-04-01. Review status: criteria provided, single submitter. Criteria: CeGaT Center For Human Genetics Tuebingen Variant Classification Criteria Version 2. Collection method: clinical testing. Allele origin: germline. Affected: yes. Observed: 2 variant alleles.
Comment: HCCS: BP4, BS2

Ambry Genetics
Classification: Likely benign for Inborn genetic diseases. Last evaluated: 2025-09-11. Review status: criteria provided, single submitter. Criteria: Ambry Variant Classification Scheme 2023. Collection method: clinical testing. Allele origin: germline.